The following is an entry in ClinVar:

NM_003072.5(SMARCA4):c.910C>T (p.Pro304Ser)

Gene: SMARCA4 (SWI/SNF related BAF chromatin remodeling complex subunit ATPase 4; plus strand). Cytogenetic location: 19p13.2.
Variant type: single nucleotide variant.
Coding change: c.910C>T on transcript NM_003072.5 (MANE Select); coding-DNA position 910, C replaced by T.
Protein change: p.Pro304Ser; replaces proline 304 with serine.
Molecular consequence: missense variant. On other transcripts: non-coding transcript variant (1).
Genome position (GRCh38, 1-based): chr19:10,987,716, C>T. VCF-style: chr19-10987716-C-T. GRCh37 (hg19) VCF-style: chr19-11098392-C-T.
Other names: c.910C>T, p.Pro304Ser (NM_001128844.3, NM_001128845.2, NM_001128846.2 and 6 more transcripts); short protein forms P304S.
Identifiers: ClinVar variation 1765835 (VCV001765835.7), dbSNP rs745462998, ClinGen allele CA9203626.

ClinVar aggregate classification (germline): Uncertain significance. Review status: criteria provided, multiple submitters, no conflicts (2 of 4 stars). 2 submissions from 2 submitters: Uncertain significance (2). Last evaluated 2025-12-21.

Conditions:
Hereditary cancer-predisposing syndrome. Also called: Tumor predisposition; Hereditary Cancer Syndrome; Hereditary neoplastic syndrome; Neoplastic Syndromes, Hereditary. Identifiers: Orphanet 140162, MedGen C0027672, MeSH D009386, MONDO:0015356.
Rhabdoid tumor predisposition syndrome 2 (RTPS2). Identifiers: Orphanet 231108, Orphanet 69077, MedGen C2750074, MONDO:0013224, OMIM 613325.

Allele frequency attached by ClinVar (database versions not stated): ExAC 0.00001.

Submissions (2):

Ambry Genetics
Classification: Uncertain significance for Hereditary cancer-predisposing syndrome. Last evaluated: 2025-12-21. Review status: criteria provided, single submitter. Criteria: Ambry Variant Classification Scheme 2023. Collection method: clinical testing. Allele origin: germline.
Comment: The p.P304S variant (also known as c.910C>T), located in coding exon 5 of the SMARCA4 gene, results from a C to T substitution at nucleotide position 910. The proline at codon 304 is replaced by serine, an amino acid with similar properties. This amino acid position is well conserved in available vertebrate species. In addition, the in silico prediction for this alteration is inconclusive. Since supporting evidence is limited at this time, the clinical significance of this alteration remains unclear.

Labcorp Genetics (formerly Invitae), Labcorp
Classification: Uncertain significance for Rhabdoid tumor predisposition syndrome 2. Last evaluated: 2025-11-17. Review status: criteria provided, single submitter. Criteria: Invitae Variant Classification Sherloc (09022015). Collection method: clinical testing. Allele origin: germline.
Comment: This sequence change replaces proline, which is neutral and non-polar, with serine, which is neutral and polar, at codon 304 of the SMARCA4 protein (p.Pro304Ser). This variant is not present in population databases (gnomAD no frequency). This variant has not been reported in the literature in individuals affected with SMARCA4-related conditions. ClinVar contains an entry for this variant (Variation ID: 1765835). Invitae Evidence Modeling of protein sequence and biophysical properties (such as structural, functional, and spatial information, amino acid conservation, physicochemical variation, residue mobility, and thermodynamic stability) indicates that this missense variant is not expected to disrupt SMARCA4 protein function with a negative predictive value of 95%. In summary, the available evidence is currently insufficient to determine the role of this variant in disease. Therefore, it has been classified as a Variant of Uncertain Significance.